The following is an entry in ClinVar:

ClinVar aggregate classification (germline): Uncertain significance. Review status: criteria provided, multiple submitters, no conflicts (2 of 4 stars). 2 submissions from 2 submitters: Uncertain significance (2). Last evaluated 2025-05-20.

Conditions:
Hereditary cancer-predisposing syndrome. Also called: Tumor predisposition; Hereditary neoplastic syndrome; Neoplastic Syndromes, Hereditary; Hereditary Cancer Syndrome. Identifiers: Orphanet 140162, MedGen C0027672, MeSH D009386, MONDO:0015356.
Renal cell carcinoma. Identifiers: Orphanet 217071, MedGen C0007134, MeSH D002292, MONDO:0005086, HP:0005584.

Submissions (2):

Ambry Genetics
Classification: Uncertain significance for Hereditary cancer-predisposing syndrome. Last evaluated: 2025-05-20. Review status: criteria provided, single submitter. Criteria: Ambry Variant Classification Scheme 2023. Collection method: clinical testing. Allele origin: germline.
Comment: The p.N828K variant (also known as c.2484T>A), located in coding exon 10 of the MET gene, results from a T to A substitution at nucleotide position 2484. The asparagine at codon 828 is replaced by lysine, an amino acid with similar properties. This amino acid position is well conserved in available vertebrate species. In addition, this alteration is predicted to be tolerated by in silico analysis. Based on the available evidence, the clinical significance of this variant remains unclear.

Labcorp Genetics (formerly Invitae), Labcorp
Classification: Uncertain significance for Renal cell carcinoma. Last evaluated: 2024-08-22. Review status: criteria provided, single submitter. Criteria: Invitae Variant Classification Sherloc (09022015). Collection method: clinical testing. Allele origin: germline.
Comment: This sequence change replaces asparagine, which is neutral and polar, with lysine, which is basic and polar, at codon 828 of the MET protein (p.Asn828Lys). This variant is not present in population databases (gnomAD no frequency). This variant has not been reported in the literature in individuals affected with MET-related conditions. ClinVar contains an entry for this variant (Variation ID: 1428980). Invitae Evidence Modeling of protein sequence and biophysical properties (such as structural, functional, and spatial information, amino acid conservation, physicochemical variation, residue mobility, and thermodynamic stability) indicates that this missense variant is not expected to disrupt MET protein function with a negative predictive value of 80%. In summary, the available evidence is currently insufficient to determine the role of this variant in disease. Therefore, it has been classified as a Variant of Uncertain Significance.

NM_000245.4(MET):c.2430T>A (p.Asn810Lys)

Gene: MET (MET proto-oncogene, receptor tyrosine kinase; plus strand). Cytogenetic location: 7q31.2.
Variant type: single nucleotide variant.
Coding change: c.2430T>A on transcript NM_000245.4 (MANE Select); coding-DNA position 2430, T replaced by A.
Protein change: p.Asn810Lys; replaces asparagine 810 with lysine.
Molecular consequence: missense variant.
Genome position (GRCh38, 1-based): chr7:116,763,115, T>A. VCF-style: chr7-116763115-T-A. GRCh37 (hg19) VCF-style: chr7-116403169-T-A.
Other names: c.2484T>A, p.Asn828Lys (NM_001127500.3); c.2430T>A, p.Asn810Lys (NM_001324401.3); c.1140T>A, p.Asn380Lys (NM_001324402.2); c.2484T>A (NM_001127500.1); short protein forms N380K, N810K, N828K.
Identifiers: ClinVar variation 1428980 (VCV001428980.7), dbSNP rs1160047047, ClinGen allele CA368983152.
Genomic context (GRCh38, chr7:116,763,115, plus strand): 5'-TCAACATCGCTCTAATTCAGAGATAATCTGTTGTACCACTCCTTCCCTGCAACAGCTGAA[T>A]CTGCAACTCCCCCTGAAAACCAAAGCCTTTTTCATGTTAGATGGGATCCTTTCCAAATAC-3'
Protein context (NP_000236.2, residues 800-820): CCTTPSLQQL[Asn810Lys]LQLPLKTKAF